The following is an entry in ClinVar:

ClinVar aggregate classification (germline): Uncertain significance (1 of 4 stars; one submission).

Allele frequency attached by ClinVar (database versions not stated): ExAC 0.00001; gnomAD 0.00001; gnomAD exomes 0.00001 and 0.00003; TOPMed 0.00003.
gnomAD v4.1: 21 of 1,593,290 alleles (0.0013%); highest among the groups gnomAD compares: African/African-American, 0.0027%; no homozygotes.

Submission:

Labcorp Genetics (formerly Invitae), Labcorp
Classification: Uncertain significance. Last evaluated: 2022-11-22. Review status: criteria provided, single submitter. Criteria: Invitae Variant Classification Sherloc (09022015). Collection method: clinical testing. Allele origin: germline.
Comment: ClinVar contains an entry for this variant (Variation ID: 934666). In summary, the available evidence is currently insufficient to determine the role of this variant in disease. Therefore, it has been classified as a Variant of Uncertain Significance. Advanced modeling of protein sequence and biophysical properties (such as structural, functional, and spatial information, amino acid conservation, physicochemical variation, residue mobility, and thermodynamic stability) performed at Invitae indicates that this missense variant is not expected to disrupt MTOR protein function. This variant has not been reported in the literature in individuals affected with MTOR-related conditions. The frequency data for this variant in the population databases is considered unreliable, as metrics indicate poor data quality at this position in the gnomAD database. This sequence change replaces alanine, which is neutral and non-polar, with threonine, which is neutral and polar, at codon 12 of the MTOR protein (p.Ala12Thr).

NM_004958.4(MTOR):c.34G>A (p.Ala12Thr)

Gene: MTOR (mechanistic target of rapamycin kinase; minus strand). Cytogenetic location: 1p36.22.
Variant type: single nucleotide variant.
Coding change: c.34G>A on transcript NM_004958.4 (MANE Select); coding-DNA position 34, G replaced by A.
Protein change: p.Ala12Thr; replaces alanine 12 with threonine.
Molecular consequence: missense variant.
Genome position (GRCh38, 1-based): chr1:11,259,376, C>T on the plus strand (G>A on the coding strand, the complement: MTOR is on the minus strand). VCF-style: chr1-11259376-C-T. GRCh37 (hg19) VCF-style: chr1-11319433-C-T.
Other names: short protein forms A12T.
Identifiers: ClinVar variation 934666 (VCV000934666.9), dbSNP rs527289325, ClinGen allele CA591041.
Genomic context (GRCh38, chr1:11,259,376, plus strand): 5'-GGCTCTTTAGGCCACTGGCAAACTGCTGCAGGACGCTCACATTGCTAGATGTGGTGGCAG[C>T]GGTGGTGGCGGCGGCAGGTCCGGTTCCAAGCATCTTGCCCTGAGGTTCTTTAGAGAGAAG-3'
Protein context (NP_004949.1, residues 2-22): LGTGPAAATT[Ala12Thr]ATTSSNVSVL